The following is an entry in ClinVar:

NM_018297.4(NGLY1):c.1201A>T (p.Arg401Ter)

Gene: NGLY1 (N-glycanase 1; minus strand). Cytogenetic location: 3p24.2.
Variant type: single nucleotide variant.
Coding change: c.1201A>T on transcript NM_018297.4 (MANE Select); coding-DNA position 1201, A replaced by T.
Protein change: p.Arg401Ter; replaces arginine 401 with a stop codon.
Molecular consequence: nonsense.
Genome position (GRCh38, 1-based): chr3:25,733,931, T>A on the plus strand (A>T on the coding strand, the complement: NGLY1 is on the minus strand). VCF-style: chr3-25733931-T-A. GRCh37 (hg19) VCF-style: chr3-25775422-T-A.
Other names: p.Arg401*; c.1147A>T, p.Arg383Ter (NM_001145293.2); c.1075A>T, p.Arg359Ter (NM_001145294.2); c.1201A>T, p.Arg401Ter (NM_001145295.2); short protein forms R401*, R359*, R383*.
Identifiers: ClinVar variation 50962 (VCV000050962.80), dbSNP rs201337954, ClinGen allele CA143904.

ClinVar aggregate classification (germline): Pathogenic/Likely pathogenic. Review status: criteria provided, multiple submitters, no conflicts (2 of 4 stars). 22 submissions from 22 submitters: Pathogenic (15); Likely pathogenic (1). 6 of the submissions do not count toward it. Last evaluated 2026-03-16.

Conditions:
Congenital disorder of deglycosylation 1. Also called: NGLY1-Related Congenital Disorder of Deglycosylation; NGLY1-deficiency. Identifiers: Orphanet 404454, MedGen CN306977, MONDO:0800044, OMIM 615273.
NGLY1-related disorder. Also called: NGLY1-related condition.
Congenital disorder of deglycosylation (CDDG). Identifiers: MedGen C3808991, MONDO:0031376.
Epilepsy. Also called: Seizure disorder. Identifiers: MedGen C0014544, MeSH D004827, MONDO:0005027.

Allele frequency attached by ClinVar (database versions not stated): TOPMed 0.00031; ESP Exome Variant Server 0.00023; gnomAD 0.00030 and 0.00031.
gnomAD v4.1: 644 of 1,613,840 alleles (0.04%); highest among the groups gnomAD compares: Non-Finnish European, 0.051%; no homozygotes.

Submissions 1 to 14 of 22:

Clinical Genetics Laboratory, Skane University Hospital Lund
Classification: Pathogenic for Epilepsy. Last evaluated: 2026-03-16. Review status: criteria provided, single submitter. Criteria: ACMG Guidelines, 2015. Collection method: clinical testing. Allele origin: germline. Inheritance: Autosomal recessive inheritance. Affected: yes.
Comment: ACMG criteria applied: PVS1, PM2, PM3_very strong.

Labcorp Genetics (formerly Invitae), Labcorp
Classification: Pathogenic for Congenital disorder of deglycosylation. Last evaluated: 2026-01-21. Review status: criteria provided, single submitter. Criteria: Invitae Variant Classification Sherloc (09022015). Collection method: clinical testing. Allele origin: germline.
Comment: This sequence change creates a premature translational stop signal (p.Arg401*) in the NGLY1 gene. It is expected to result in an absent or disrupted protein product. Loss-of-function variants in NGLY1 are known to be pathogenic (PMID: 24651605). This variant is present in population databases (rs201337954, gnomAD 0.04%). This premature translational stop signal has been observed in individual(s) with NGLY1 deficiency (PMID: 24651605, 26350515, 27388694). ClinVar contains an entry for this variant (Variation ID: 50962). For these reasons, this variant has been classified as Pathogenic.

PreventionGenetics, part of Exact Sciences
Classification: Pathogenic for NGLY1-related condition. Last evaluated: 2025-06-08. Review status: criteria provided, single submitter. Criteria: ACMG Guidelines, 2015. Collection method: clinical testing. Allele origin: germline.
Comment: The NGLY1 c.1201A>T variant is predicted to result in premature protein termination (p.Arg401*). This variant has been reported in the homozygous and compound heterozygous states in patients with congenital disorder of deglycosylation (CDDG; NGLY1 deficiency) (Bosch et al. 2016. PubMed ID: 26350515; Enns et al. 2014. PubMed ID: 24651605). This variant is reported in 0.039% of alleles in individuals of European (non-Finnish) descent in gnomAD. Nonsense variants in NGLY1 are expected to be pathogenic. This variant is interpreted as pathogenic.

Mayo Clinic Laboratories, Mayo Clinic
Classification: Pathogenic. Last evaluated: 2025-01-03. Review status: criteria provided, single submitter. Criteria: ACMG Guidelines, 2015. Collection method: clinical testing. Allele origin: germline. Observed: 1 variant allele.
Comment: PM2_supporting, PM3_strong, PS4, PVS1

Fulgent Genetics
Classification: Pathogenic for Congenital disorder of deglycosylation 1. Last evaluated: 2024-05-12. Review status: criteria provided, single submitter. Criteria: ACMG Guidelines, 2015. Collection method: clinical testing. Allele origin: germline.

Blueprint Genetics
Classification: Pathogenic for NGLY1-related disorders. Last evaluated: 2023-12-21. Review status: criteria provided, single submitter. Criteria: ACMG Guidelines, 2015. Collection method: clinical testing. Allele origin: germline. Affected: yes. Observed: 5 variant alleles.

Department of Pathology and Laboratory Medicine, Sinai Health System
Classification: Pathogenic for Congenital disorder of deglycosylation 1. Last evaluated: 2023-09-05. Review status: criteria provided, single submitter. Criteria: ACMG Guidelines, 2015. Collection method: research. Allele origin: germline.

Victorian Clinical Genetics Services, Murdoch Childrens Research Institute
Classification: Pathogenic for Congenital disorder of deglycosylation 1. Last evaluated: 2023-07-17. Review status: criteria provided, single submitter. Criteria: ACMG Guidelines, 2015. Collection method: clinical testing. Allele origin: germline. Inheritance: Autosomal recessive inheritance.
Comment: Based on the classification scheme VCGS_Germline_v1.3.4, this variant is classified as Pathogenic. Following criteria are met: 0102 - Loss of function is a known mechanism of disease in this gene and is associated with congenital disorder of deglycosylation (MIM#615273). (I) 0106 - This gene is associated with autosomal recessive disease. (I) 0201 - Variant is predicted to cause nonsense-mediated decay (NMD) and loss of protein (premature termination codon is located at least 54 nucleotides upstream of the final exon-exon junction). (SP) 0251 - This variant is heterozygous. (I) 0304 - Variant is present in gnomAD v2 <0.01 for a recessive condition (52 heterozygotes, 0 homozygotes). (SP) 0701 - Other NMD predicted variants comparable to the one identified in this case have very strong previous evidence for pathogenicity (DECIPHER). (SP) 0801 - This variant has strong previous evidence of pathogenicity in unrelated individuals. This variant has been observed in over ten individuals with congenital disorders of deglycosylation in both homozygous and compound heterozygous states (ClinVar, DECIPHER, PMID: 32071843). (I) Legend: (SP) - Supporting pathogenic, (I) - Information, (SB) - Supporting benign

3billion
Classification: Pathogenic for Congenital disorder of deglycosylation 1. Last evaluated: 2023-02-23. Review status: criteria provided, single submitter. Criteria: ACMG Guidelines, 2015. Collection method: clinical testing. Allele origin: unknown. Affected: yes.
Comment: The variant is observed at an extremely low frequency in the gnomAD v2.1.1 dataset (total allele frequency: 0.018%). This variant was predicted to result in a loss or disruption of normal protein function through nonsense-mediated decay (NMD) or protein truncation. Multiple pathogenic variants are reported downstream of the variant. The variant has been reported at least twice as pathogenic with clinical assertions and evidence for the classification (ClinVar ID: VCV000050962 / PMID: 22581936). Therefore, this variant is classified as Pathogenic according to the recommendation of ACMG/AMP guideline.

GeneDx
Classification: Pathogenic. Last evaluated: 2022-11-21. Review status: criteria provided, single submitter. Criteria: GeneDx Variant Classification Process June 2021. Collection method: clinical testing. Allele origin: germline. Affected: yes.
Comment: Nonsense variant predicted to result in protein truncation or nonsense mediated decay in a gene for which loss-of-function is a known mechanism of disease; This variant is associated with the following publications: (PMID: 26611529, 24651605, 32395402, 22581936, 26350515, 28750948, 27388694, 32071843, 32576142, 32422350, 33057211, 31965062, 31957011, 33673403, 34426522)

Greenwood Genetic Center Diagnostic Laboratories, Greenwood Genetic Center
Classification: Likely pathogenic for Congenital disorder of deglycosylation 1. Last evaluated: 2022-10-10. Review status: criteria provided, single submitter. Criteria: ACMG Guidelines, 2015. Collection method: clinical testing. Allele origin: germline. Affected: yes.
Comment: PVS1, PM3

Women's Health and Genetics/Laboratory Corporation of America, LabCorp
Classification: Pathogenic for Congenital disorder of deglycosylation. Last evaluated: 2022-05-16. Review status: criteria provided, single submitter. Criteria: LabCorp Variant Classification Summary - May 2015. Collection method: clinical testing. Allele origin: germline.
Comment: Variant summary: NGLY1 c.1201A>T (p.Arg401X) results in a premature termination codon, predicted to cause a truncation of the encoded protein or absence of the protein due to nonsense mediated decay, which are commonly known mechanisms for disease. The variant allele was found at a frequency of 0.00018 in 251186 control chromosomes. This frequency is not significantly higher than estimated for a pathogenic variant in NGLY1 causing Congenital Disorder Of Deglycosylation (0.00018 vs 0.0011), allowing no conclusion about variant significance. c.1201A>T has been reported in the literature as homozygous and compound heterozygous genotypes in multiple individuals affected with Congenital Disorder Of Deglycosylation (example, Enns_2014). These data indicate that the variant is very likely to be associated with disease. Nine clinical diagnostic laboratories have submitted clinical-significance assessments for this variant to ClinVar after 2014 without evidence for independent evaluation. All laboratories classified the variant as pathogenic. Based on the evidence outlined above, the variant was classified as pathogenic.

Institute of Medical Genetics and Applied Genomics, University Hospital Tübingen
Classification: Pathogenic. Last evaluated: 2020-10-23. Review status: criteria provided, single submitter. Criteria: ACMG Guidelines, 2015. Collection method: clinical testing. Allele origin: germline. Inheritance: Autosomal recessive inheritance. Affected: yes.

CeGaT Center for Human Genetics Tuebingen
Classification: Pathogenic. Last evaluated: 2020-03-01. Review status: criteria provided, single submitter. Criteria: CeGaT Center For Human Genetics Tuebingen Variant Classification Criteria Version 2. Collection method: clinical testing. Allele origin: germline. Affected: yes. Observed: 1 variant allele.